The following is an entry in ClinVar:

NM_001287491.2(TET3):c.2612G>A (p.Arg871Gln)

Gene: TET3 (tet methylcytosine dioxygenase 3; plus strand). Cytogenetic location: 2p13.1.
Variant type: single nucleotide variant.
Coding change: c.2612G>A on transcript NM_001287491.2 (MANE Select); coding-DNA position 2612, G replaced by A.
Protein change: p.Arg871Gln; replaces arginine 871 with glutamine.
Molecular consequence: missense variant.
Genome position (GRCh38, 1-based): chr2:74,080,524, G>A. VCF-style: chr2-74080524-G-A. GRCh37 (hg19) VCF-style: chr2-74307651-G-A.
Other names: c.2333G>A, p.Arg778Gln (NM_001366022.1); c.2207G>A, p.Arg736Gln (NM_144993.1); short protein forms R736Q, R778Q, R871Q.
Identifiers: ClinVar variation 2503127 (VCV002503127.1), dbSNP rs1188197678, ClinGen allele CA347309001.

ClinVar aggregate classification (germline): Uncertain significance (1 of 4 stars; one submission).

Submission:

GeneDx
Classification: Uncertain significance. Last evaluated: 2022-11-28. Review status: criteria provided, single submitter. Criteria: GeneDx Variant Classification Process June 2021. Collection method: clinical testing. Allele origin: germline. Affected: yes.
Comment: Not observed at significant frequency in large population cohorts (gnomAD); In silico analysis supports that this missense variant has a deleterious effect on protein structure/function; Has not been previously published as pathogenic or benign to our knowledge